The following is an entry in ClinVar:

ClinVar aggregate classification (germline): Uncertain significance (1 of 4 stars; one submission).

Allele frequency attached by ClinVar (database versions not stated): ExAC 0.00002; gnomAD 0.00003; gnomAD exomes 0.00003; TOPMed 0.00006.

Submission:

Labcorp Genetics (formerly Invitae), Labcorp
Classification: Uncertain significance. Last evaluated: 2024-02-07. Review status: criteria provided, single submitter. Criteria: Invitae Variant Classification Sherloc (09022015). Collection method: clinical testing. Allele origin: germline.
Comment: This sequence change replaces arginine, which is basic and polar, with tryptophan, which is neutral and slightly polar, at codon 289 of the BMP2 protein (p.Arg289Trp). This variant is present in population databases (rs770615288, gnomAD 0.01%). This variant has not been reported in the literature in individuals affected with BMP2-related conditions. An algorithm developed to predict the effect of missense changes on protein structure and function (PolyPhen-2) suggests that this variant is likely to be disruptive. In summary, the available evidence is currently insufficient to determine the role of this variant in disease. Therefore, it has been classified as a Variant of Uncertain Significance.

NM_001200.4(BMP2):c.865C>T (p.Arg289Trp)

Gene: BMP2 (bone morphogenetic protein 2; plus strand). Cytogenetic location: 20p12.3.
Variant type: single nucleotide variant.
Coding change: c.865C>T on transcript NM_001200.4 (MANE Select); coding-DNA position 865, C replaced by T.
Protein change: p.Arg289Trp; replaces arginine 289 with tryptophan.
Molecular consequence: missense variant.
Genome position (GRCh38, 1-based): chr20:6,778,763, C>T. VCF-style: chr20-6778763-C-T. GRCh37 (hg19) VCF-style: chr20-6759410-C-T.
Other names: short protein forms R289W.
Identifiers: ClinVar variation 2885188 (VCV002885188.2), dbSNP rs770615288, ClinGen allele CA9758755.